The following is an entry in ClinVar:

NM_001369369.1(FOXN1):c.1318C>A (p.Gln440Lys)

Gene: FOXN1 (forkhead box N1; plus strand). Cytogenetic location: 17q11.2.
Variant type: single nucleotide variant.
Coding change: c.1318C>A on transcript NM_001369369.1 (MANE Select); coding-DNA position 1318, C replaced by A.
Protein change: p.Gln440Lys; replaces glutamine 440 with lysine.
Molecular consequence: missense variant.
Genome position (GRCh38, 1-based): chr17:28,534,889, C>A. VCF-style: chr17-28534889-C-A. GRCh37 (hg19) VCF-style: chr17-26861907-C-A.
Other names: c.1318C>A, p.Gln440Lys (NM_003593.3); short protein forms Q440K.
Identifiers: ClinVar variation 4883472 (VCV004883472.2).

ClinVar aggregate classification (germline): Uncertain significance (1 of 4 stars; one submission).

Conditions:
T-cell lymphopenia, infantile, with or without nail dystrophy, autosomal dominant. Identifiers: Orphanet 676039, MedGen C5394133, MONDO:0032928, OMIM 618806.

Submission:

Dasa
Classification: Uncertain significance for T-cell lymphopenia, infantile, with or without nail dystrophy, autosomal dominant. Last evaluated: 2025-09-27. Review status: criteria provided, single submitter. Criteria: DASA Assertion Criteria. Collection method: clinical testing. Allele origin: germline.
Comment: NM_001369369.1(FOXN1):c.1318C>A (p.Gln440Lys) is a missense variant that results in the substitution of glutamine with lysine. This variant is rare in population databases. The currently available literature and clinical evidence are not sufficient to establish a definitive association between this variant and the reported condition. Therefore, this variant is classified as a variant of uncertain significance.